The following is an entry in ClinVar:

ClinVar aggregate classification (germline): Uncertain significance (1 of 4 stars; one submission).

Conditions:
Gastrointestinal stromal tumor. Also called: Gastrointestinal stromal tumor, somatic; Gastrointestinal stroma tumor. Identifiers: Orphanet 44890, MedGen C0238198, MeSH D046152, MONDO:0011719, OMIM 606764, HP:0100723.

Submission:

Labcorp Genetics (formerly Invitae), Labcorp
Classification: Uncertain significance for Gastrointestinal stromal tumor. Last evaluated: 2023-05-09. Review status: criteria provided, single submitter. Criteria: Invitae Variant Classification Sherloc (09022015). Collection method: clinical testing. Allele origin: germline.
Comment: This sequence change replaces leucine, which is neutral and non-polar, with serine, which is neutral and polar, at codon 137 of the PDGFRA protein (p.Leu137Ser). In summary, the available evidence is currently insufficient to determine the role of this variant in disease. Therefore, it has been classified as a Variant of Uncertain Significance. Advanced modeling of protein sequence and biophysical properties (such as structural, functional, and spatial information, amino acid conservation, physicochemical variation, residue mobility, and thermodynamic stability) performed at Invitae indicates that this missense variant is not expected to disrupt PDGFRA protein function. This variant has not been reported in the literature in individuals affected with PDGFRA-related conditions. This variant is not present in population databases (gnomAD no frequency).

NM_006206.6(PDGFRA):c.410T>C (p.Leu137Ser)

Gene: PDGFRA (platelet derived growth factor receptor alpha; plus strand). Cytogenetic location: 4q12.
Variant type: single nucleotide variant.
Coding change: c.410T>C on transcript NM_006206.6 (MANE Select); coding-DNA position 410, T replaced by C.
Protein change: p.Leu137Ser; replaces leucine 137 with serine.
Molecular consequence: missense variant.
Genome position (GRCh38, 1-based): chr4:54,263,709, T>C. VCF-style: chr4-54263709-T-C. GRCh37 (hg19) VCF-style: chr4-55129876-T-C.
Other names: c.410T>C, p.Leu137Ser (NM_001347827.2, NM_001347829.2); c.485T>C, p.Leu162Ser (NM_001347828.2); c.449T>C, p.Leu150Ser (NM_001347830.2); short protein forms L137S, L150S, L162S.
Identifiers: ClinVar variation 2806204 (VCV002806204.3), dbSNP rs2475433461, ClinGen allele CA356889730.
Genomic context (GRCh38, chr4:54,263,709, plus strand): 5'-TTCTTTTTTAAACCACAGACCCAGATGTAGCCTTTGTACCTCTAGGAATGACGGATTATT[T>C]AGTCATCGTGGAGGATGATGATTCTGCCATTATACCTTGTCGCACAACTGATCCCGAGAC-3'
Protein context (NP_006197.1, residues 127-147): AFVPLGMTDY[Leu137Ser]VIVEDDDSAI